The following is an entry in ClinVar:

ClinVar aggregate classification (germline): Uncertain significance (0 of 4 stars; one submission).

Conditions:
AP1G1-related disorder. Also called: AP1G1-related condition.

Allele frequency attached by ClinVar (database versions not stated): gnomAD exomes below 0.00001; TOPMed below 0.00001.
gnomAD v4.1: 4 of 1,614,196 alleles (0.00025%); highest among the groups gnomAD compares: Non-Finnish European, 0.00034%; no homozygotes.

Submission:

PreventionGenetics, part of Exact Sciences
Classification: Uncertain significance for AP1G1-related condition. Last evaluated: 2024-01-16. Review status: no assertion criteria provided. Collection method: clinical testing. Allele origin: germline.
Comment: The AP1G1 c.142C>T variant is predicted to result in the amino acid substitution p.Arg48Trp. To our knowledge, this variant has not been reported in the literature or in a large population database, indicating this variant is rare. At this time, the clinical significance of this variant is uncertain due to the absence of conclusive functional and genetic evidence.

NM_001128.6(AP1G1):c.142C>T (p.Arg48Trp)

Gene: AP1G1 (adaptor related protein complex 1 subunit gamma 1; minus strand). Cytogenetic location: 16q22.2.
Variant type: single nucleotide variant.
Coding change: c.142C>T on transcript NM_001128.6 (MANE Select); coding-DNA position 142, C replaced by T.
Protein change: p.Arg48Trp; replaces arginine 48 with tryptophan.
Molecular consequence: missense variant.
Genome position (GRCh38, 1-based): chr16:71,789,338, G>A on the plus strand (C>T on the coding strand, the complement: AP1G1 is on the minus strand). VCF-style: chr16-71789338-G-A. GRCh37 (hg19) VCF-style: chr16-71823241-G-A.
Other names: c.142C>T, p.Arg48Trp (NM_001030007.2); short protein forms R48W.
Identifiers: ClinVar variation 3031920 (VCV003031920.2), dbSNP rs2032316923, ClinGen allele CA396673627.